The following is an entry in ClinVar:

NM_001042545.2(LTBP4):c.2679C>G (p.Leu893=)

Gene: LTBP4 (latent transforming growth factor beta binding protein 4; plus strand). Cytogenetic location: 19q13.2.
Variant type: single nucleotide variant.
Coding change: c.2679C>G on transcript NM_001042545.2 (MANE Select); coding-DNA position 2679, C replaced by G.
Protein change: p.Leu893=; no amino-acid change (leucine 893 retained).
Molecular consequence: synonymous variant.
Genome position (GRCh38, 1-based): chr19:40,614,037, C>G. VCF-style: chr19-40614037-C-G. GRCh37 (hg19) VCF-style: chr19-41119943-C-G.
Other names: c.2880C>G, p.Leu960= (NM_001042544.1); c.2769C>G, p.Leu923= (NM_003573.2).
Identifiers: ClinVar variation 2018816 (VCV002018816.4), dbSNP rs2081528740, ClinGen allele CA507502644.

ClinVar aggregate classification (germline): Uncertain significance (1 of 4 stars; one submission).

Allele frequency attached by ClinVar (database versions not stated): gnomAD exomes below 0.00001; TOPMed below 0.00001.
gnomAD v4.1: 1 of 1,611,936 alleles (0.000062%); highest among the groups gnomAD compares: Non-Finnish European, 0.000085%; no homozygotes.

Submission:

Labcorp Genetics (formerly Invitae), Labcorp
Classification: Uncertain significance. Last evaluated: 2022-07-22. Review status: criteria provided, single submitter. Criteria: Invitae Variant Classification Sherloc (09022015). Collection method: clinical testing. Allele origin: germline.
Comment: This sequence change affects codon 923 of the LTBP4 mRNA. It is a 'silent' change, meaning that it does not change the encoded amino acid sequence of the LTBP4 protein. It affects a nucleotide within the consensus splice site. This variant is not present in population databases (gnomAD no frequency). In summary, the available evidence is currently insufficient to determine the role of this variant in disease. Therefore, it has been classified as a Variant of Uncertain Significance. Experimental studies and prediction algorithms are not available or were not evaluated, and the effect of this variant on mRNA splicing is currently unknown. This variant has not been reported in the literature in individuals affected with LTBP4-related conditions.